The following is an entry in ClinVar:

NM_001673.5(ASNS):c.1476+2T>C

Genes: ASNS (asparagine synthetase (glutamine-hydrolyzing); minus strand), CZ1P-ASNS (CZ1P-ASNS readthrough; minus strand). Cytogenetic location: 7q21.3.
Variant type: single nucleotide variant.
Coding change: c.1476+2T>C on transcript NM_001673.5 (MANE Select); the canonical splice donor site of the intron after coding-DNA position 1476, T replaced by C.
Molecular consequence: splice donor variant.
Genome position (GRCh38, 1-based): chr7:97,853,058, A>G on the plus strand (T>C on the coding strand, the complement: ASNS is on the minus strand). VCF-style: chr7-97853058-A-G. GRCh37 (hg19) VCF-style: chr7-97482370-A-G.
Other names: NC_000007.13:g.97482370A>G; c.1476+2T>C (NM_001352496.2, NM_183356.4, NM_133436.3); c.1227+2T>C (NM_001178076.2, NM_001178077.1); c.1413+2T>C (NM_001178075.2).
Identifiers: ClinVar variation 3895513 (VCV003895513.3).
Genomic context (GRCh38, chr7:97,853,058, plus strand): 5'-AGCAATGACAGCTCTGCATCCAAACTGTCTTATTCCTGAAAATGTTTTTAAAGACATTAT[A>G]CCTGATGTTCAACGTATTCCTGTAAAATCTTAAACCAGGAATTCTTAACTGAAGTTATTC-3'

ClinVar aggregate classification (germline): Likely pathogenic. Review status: criteria provided, multiple submitters, no conflicts (2 of 4 stars). 2 submissions from 2 submitters: Likely pathogenic (2). Last evaluated 2024-05-08.

Conditions:
Congenital microcephaly - severe encephalopathy - progressive cerebral atrophy syndrome. Also called: Asparagine synthetase deficiency; ASNS DEFICIENCY. Identifiers: Orphanet 391376, MedGen C3809971, MONDO:0014258, OMIM 615574.

Submissions (3):

Natera, Inc.
Classification: Likely pathogenic for Asparagine synthetase deficiency. Last evaluated: 2024-05-08. Review status: criteria provided, single submitter. Criteria: Natera Variant Classification Schema (03/2026). Collection method: clinical testing. Allele origin: germline.
Comment: The c.1476+2T>C variant in ASNS is a canonical splice donor site variant predicted to affect pre-mRNA splicing, which may result in an abnormal transcript and altered protein product. This variant is expected to result in nonsense mediated decay, truncation, or a dysfunctional protein product. This variant is rare in the general population with a frequency below the threshold expected for the associated phenotype(s). Given the available evidence, this variant is classified as Likely Pathogenic.

Neuberg Centre For Genomic Medicine, NCGM
Classification: Likely pathogenic for Congenital microcephaly - severe encephalopathy - progressive cerebral atrophy syndrome. Last evaluated: 2024-02-01. Review status: criteria provided, single submitter. Criteria: ACMG Guidelines, 2015. Collection method: clinical testing. Allele origin: germline. Inheritance: Autosomal recessive inheritance. Affected: yes.
Comment: This variant in ASNS gene has not been reported previously as a pathogenic variant nor as a benign variant, to our knowledge.

Dr. Peter K. Rogan Lab, Western University
No classification provided (evidence only). Condition: Uterine corpus endometrial carcinoma. Review status: no classification provided. Collection method: in vitro. Allele origin: not applicable. Functional consequence: skipped exon, retained intron. Not counted in ClinVar's aggregate classification.